The following is an entry in ClinVar:

ClinVar aggregate classification (germline): Pathogenic. Review status: criteria provided, multiple submitters, no conflicts (2 of 4 stars). 2 submissions from 2 submitters: Pathogenic (2). Last evaluated 2024-02-25.

Conditions:
Neurofibromatosis, type 2 (SWNV). Also called: SCHWANNOMATOSIS, VESTIBULAR; BILATERAL ACOUSTIC NEUROFIBROMATOSIS; NF2-Related Schwannomatosis. Identifiers: Orphanet 637, MedGen C0027832, MONDO:0007039, OMIM 101000. Disease mechanism: loss of function.

Submissions (2):

Labcorp Genetics (formerly Invitae), Labcorp
Classification: Pathogenic for Neurofibromatosis, type 2. Last evaluated: 2024-02-25. Review status: criteria provided, single submitter. Criteria: Invitae Variant Classification Sherloc (09022015). Collection method: clinical testing. Allele origin: germline.
Comment: This sequence change creates a premature translational stop signal (p.Cys37*) in the NF2 gene. It is expected to result in an absent or disrupted protein product. Loss-of-function variants in NF2 are known to be pathogenic (PMID: 9643284, 16983642). This variant is not present in population databases (gnomAD no frequency). This premature translational stop signal has been observed in individual(s) with NF2-related conditions (PMID: 16983642). For these reasons, this variant has been classified as Pathogenic.

Mayo Clinic Laboratories, Mayo Clinic
Classification: Pathogenic. Last evaluated: 2023-08-01. Review status: criteria provided, single submitter. Criteria: ACMG Guidelines, 2015. Collection method: clinical testing. Allele origin: germline. Observed: 1 variant allele.
Comment: PM2_moderate, PS4_moderate, PVS1

Literature cited by the submitters: PubMed 9643284 (cited by Labcorp Genetics (formerly Invitae), Labcorp); PubMed 16983642 (cited by Labcorp Genetics (formerly Invitae), Labcorp and Mayo Clinic Laboratories, Mayo Clinic); PubMed 10896706 (cited by Mayo Clinic Laboratories, Mayo Clinic); PubMed 25631985 (cited by Mayo Clinic Laboratories, Mayo Clinic).

NM_000268.4(NF2):c.111C>A (p.Cys37Ter)

Gene: NF2 (NF2, moesin-ezrin-radixin like (MERLIN) tumor suppressor; plus strand). Cytogenetic location: 22q12.2.
Variant type: single nucleotide variant.
Coding change: c.111C>A on transcript NM_000268.4 (MANE Select); coding-DNA position 111, C replaced by A.
Protein change: p.Cys37Ter; replaces cysteine 37 with a stop codon.
Molecular consequence: nonsense. On other transcripts: 5 prime UTR variant (4), non-coding transcript variant (1).
Genome position (GRCh38, 1-based): chr22:29,604,109, C>A. VCF-style: chr22-29604109-C-A. GRCh37 (hg19) VCF-style: chr22-30000098-C-A.
Other names: p.Cys37*; c.-120C>A (NM_001407053.1, NM_001407056.1); c.111C>A, p.Cys37Ter (NM_001407054.1, NM_001407055.1, NM_001407057.1 and 15 more transcripts); c.-530C>A (NM_001407065.1); c.-146C>A (NM_001407067.1); short protein forms C37*.
Identifiers: ClinVar variation 2737024 (VCV002737024.4), dbSNP rs1302428933, ClinGen allele CA411146323.